The following is an entry in ClinVar:

ClinVar aggregate classification (germline): Uncertain significance (1 of 4 stars; one submission).

Submission:

Labcorp Genetics (formerly Invitae), Labcorp
Classification: Uncertain significance. Last evaluated: 2023-05-01. Review status: criteria provided, single submitter. Criteria: Invitae Variant Classification Sherloc (09022015). Collection method: clinical testing. Allele origin: germline.
Comment: In summary, the available evidence is currently insufficient to determine the role of this variant in disease. Therefore, it has been classified as a Variant of Uncertain Significance. An algorithm developed to predict the effect of missense changes on protein structure and function (PolyPhen-2) suggests that this variant is likely to be disruptive. ClinVar contains an entry for this variant (Variation ID: 1060179). This variant has not been reported in the literature in individuals affected with FN1-related conditions. This variant is not present in population databases (gnomAD no frequency). This sequence change replaces leucine, which is neutral and non-polar, with valine, which is neutral and non-polar, at codon 2322 of the FN1 protein (p.Leu2322Val).

NM_212482.4(FN1):c.6964C>G (p.Leu2322Val)

Genes: ATIC (5-aminoimidazole-4-carboxamide ribonucleotide formyltransferase/IMP cyclohydrolase; plus strand), FN1 (fibronectin 1; minus strand). Cytogenetic location: 2q35.
Variant type: single nucleotide variant.
Coding change: c.6964C>G on transcript NM_212482.4 (MANE Select); coding-DNA position 6964, C replaced by G.
Protein change: p.Leu2322Val; replaces leucine 2322 with valine.
Molecular consequence: missense variant.
Genome position (GRCh38, 1-based): chr2:215,367,917, G>C on the plus strand (C>G on the coding strand, the complement: FN1 is on the minus strand). VCF-style: chr2-215367917-G-C. GRCh37 (hg19) VCF-style: chr2-216232640-G-C.
Other names: c.6871C>G, p.Leu2291Val (NM_001306129.2); c.6334C>G, p.Leu2112Val (NM_001306130.2); c.6328C>G, p.Leu2110Val (NM_001306131.2); c.6253C>G, p.Leu2085Val (NM_001306132.2); c.6694C>G, p.Leu2232Val (NM_001365517.2); c.6691C>G, p.Leu2231Val (NM_001365518.2); c.6619C>G, p.Leu2207Val (NM_001365519.2); c.6616C>G, p.Leu2206Val (NM_001365520.2); and 8 more; short protein forms L2021V, L2085V, L2110V, L2111V, L2112V, L2116V, L2141V, L2175V.
Identifiers: ClinVar variation 1060179 (VCV001060179.9), dbSNP rs868751626, ClinGen allele CA350463525.
Genomic context (GRCh38, chr2:215,367,917, plus strand): 5'-ACTCACTAGATGAATCACATCTGAAATGACCACTTCCAAAGCCTAAGCACTGGCACAACA[G>C]TTTAAAGCCTGATTCAGACATTCGTTCCCACTCATCTCCAACGGCATAATGGGAAACTGT-3'
Protein context (NP_997647.2, residues 2312-2332): WERMSESGFK[Leu2322Val]LCQCLGFGSG